The following is an entry in ClinVar:

NM_004369.4(COL6A3):c.6064-252T>C

Gene: COL6A3 (collagen type VI alpha 3 chain; minus strand). Cytogenetic location: 2q37.3.
Variant type: single nucleotide variant.
Coding change: c.6064-252T>C on transcript NM_004369.4 (MANE Select); 252 bases into the intron before coding-DNA position 6064, T replaced by C.
Molecular consequence: intron variant.
Genome position (GRCh38, 1-based): chr2:237,362,083, A>G on the plus strand (T>C on the coding strand, the complement: COL6A3 is on the minus strand). VCF-style: chr2-237362083-A-G. GRCh37 (hg19) VCF-style: chr2-238270726-A-G.
Other names: c.4243-252T>C (NM_057166.5); c.5446-252T>C (NM_057167.4).
Identifiers: ClinVar variation 668107 (VCV000668107.1), dbSNP rs7597795, ClinGen allele CA11293800.

ClinVar aggregate classification (germline): Benign (1 of 4 stars; one submission).

Allele frequency attached by ClinVar (database versions not stated): gnomAD 0.23667 and 0.24071; 1000 Genomes Project 0.23822; 1000 Genomes Project 30x 0.24453; TOPMed 0.24485.
gnomAD v4.1: 35,934 of 152,054 alleles (24%); highest among the groups gnomAD compares: African/African-American, 41%; 5,130 homozygotes.

Submission:

GeneDx
Classification: Benign. Last evaluated: 2018-06-14. Review status: criteria provided, single submitter. Criteria: GeneDx Variant Classification (06012015). Collection method: clinical testing. Allele origin: germline. Affected: yes.
Comment: This variant is considered likely benign or benign based on one or more of the following criteria: it is a conservative change, it occurs at a poorly conserved position in the protein, it is predicted to be benign by multiple in silico algorithms, and/or has population frequency not consistent with disease.